The following is an entry in ClinVar:

NM_001039141.3(TRIOBP):c.6818G>A (p.Arg2273His)

Gene: TRIOBP (TRIO and F-actin binding protein; plus strand). Cytogenetic location: 22q13.1.
Variant type: single nucleotide variant.
Coding change: c.6818G>A on transcript NM_001039141.3 (MANE Select); coding-DNA position 6818, G replaced by A.
Protein change: p.Arg2273His; replaces arginine 2273 with histidine.
Molecular consequence: missense variant.
Genome position (GRCh38, 1-based): chr22:37,769,344, G>A. VCF-style: chr22-37769344-G-A. GRCh37 (hg19) VCF-style: chr22-38165351-G-A.
Other names: c.1679G>A, p.Arg560His (NM_007032.5); short protein forms R2273H, R560H.
Identifiers: ClinVar variation 450921 (VCV000450921.2), dbSNP rs771315446, ClinGen allele CA10225202.
Genomic context (GRCh38, chr22:37,769,344, plus strand): 5'-AGGAGATAGACCAGCTGCGCGGCTTCATTGCCTCGCAGGGCATGGGCAATGGCTGCGGGC[G>A]CAGCAACGAGCGGAGTTCCTGCGAGCTAGAGGTGAGTGTCCTCACTAGCACCAGGCAGCC-3'
Protein context (NP_001034230.1, residues 2263-2283): ASQGMGNGCG[Arg2273His]SNERSSCELE

ClinVar aggregate classification (germline): Uncertain significance (1 of 4 stars; one submission).

Allele frequency attached by ClinVar (database versions not stated): TOPMed below 0.00001; gnomAD exomes 0.00001; ExAC 0.00001; gnomAD 0.00001.
gnomAD v4.1: 8 of 1,609,358 alleles (0.0005%); highest among the groups gnomAD compares: Admixed American, 0.0017%; no homozygotes.

Submission:

GeneDx
Classification: Uncertain significance. Last evaluated: 2017-08-04. Review status: criteria provided, single submitter. Criteria: GeneDx Variant Classification (06012015). Collection method: clinical testing. Allele origin: germline. Affected: yes.
Comment: The R2273H variant in the TRIOBP gene has not been reported previously as a pathogenic variant, nor as a benign variant, to our knowledge. The R2273H variant is not observed at a significant frequency in large population cohorts (Lek et al., 2016; 1000 Genomes Consortium et al., 2015; Exome Variant Server). The R2273H variant is a conservative amino acid substitution, which is not likely to impact secondary protein structure as these residues share similar properties. In addition, this substitution occurs at a position that is not conserved. In silico analysis is inconsistent in its predictions as to whether or not the variant is damaging to the protein structure/function. We interpret R2273H as a variant of uncertain significance.